The following is an entry in ClinVar:

NM_001144072.2(UBAC2):c.873G>A (p.Gln291=)

Gene: UBAC2 (UBA domain containing 2; plus strand). Cytogenetic location: 13q32.3.
Variant type: single nucleotide variant.
Coding change: c.873G>A on transcript NM_001144072.2 (MANE Select); coding-DNA position 873, G replaced by A.
Protein change: p.Gln291=; no amino-acid change (glutamine 291 retained).
Molecular consequence: synonymous variant. On other transcripts: non-coding transcript variant (1).
Genome position (GRCh38, 1-based): chr13:99,367,852, G>A. VCF-style: chr13-99367852-G-A. GRCh37 (hg19) VCF-style: chr13-100020106-G-A.
Other names: c.768G>A, p.Gln256= (NM_177967.4).
Identifiers: ClinVar variation 5041611 (VCV005041611.1).

ClinVar aggregate classification (germline): Likely benign (1 of 4 stars; one submission).

gnomAD v4.1: 1 of 1,613,954 alleles (0.000062%); highest among the groups gnomAD compares: Admixed American, 0.0017%; no homozygotes.

Submission:

CeGaT Center for Human Genetics Tuebingen
Classification: Likely benign. Last evaluated: 2026-09-01. Review status: criteria provided, single submitter. Criteria: CeGaT Center For Human Genetics Tuebingen Variant Classification Criteria Version 2. Collection method: clinical testing. Allele origin: germline. Affected: yes. Observed: 1 variant allele.
Comment: UBAC2: BP4, BP7